The following is an entry in ClinVar:

NM_139027.6(ADAMTS13):c.3548-10C>T

Gene: ADAMTS13 (ADAM metallopeptidase with thrombospondin type 1 motif 13; plus strand). Cytogenetic location: 9q34.2.
Variant type: single nucleotide variant.
Coding change: c.3548-10C>T on transcript NM_139027.6 (MANE Select); 10 bases into the intron before coding-DNA position 3548, C replaced by T.
Molecular consequence: intron variant.
Genome position (GRCh38, 1-based): chr9:133,456,533, C>T. VCF-style: chr9-133456533-C-T. GRCh37 (hg19) VCF-style: chr9-136321655-C-T.
Other names: c.3716-10C>T (NM_139025.5); c.3455-10C>T (NM_139026.6).
Identifiers: ClinVar variation 3709829 (VCV003709829.3).
Genomic context (GRCh38, chr9:133,456,533, plus strand): 5'-TACCCTGGAGCCACTCCTCTGCTGACCAGGCGTGGGAGTGCTGGACCCTCACTGCCCTGC[C>T]GCTTCCTAGGGGACATGTTGCTGCTTTGGGGCCGGCTCACCTGGAGGAAGATGTGCAGGA-3'

ClinVar aggregate classification (germline): Benign. Review status: criteria provided, multiple submitters, no conflicts (2 of 4 stars). 2 submissions from 2 submitters: Benign (2). Last evaluated 2025-12-01.

gnomAD v4.1: 100 of 1,612,500 alleles (0.0062%); highest among the groups gnomAD compares: East Asian, 0.15%; 1 homozygote.

Submissions (2):

Women's Health and Genetics/Laboratory Corporation of America, LabCorp
Classification: Benign. Last evaluated: 2025-12-01. Review status: criteria provided, single submitter. Criteria: LabCorp Variant Classification Summary - May 2015. Collection method: clinical testing. Allele origin: germline.
Comment: Variant summary: ADAMTS13 c.3716-10C>T alters a nucleotide located at a position not widely known to affect splicing. Consensus agreement among computation tools predict no significant impact on normal splicing. However, these predictions have yet to be confirmed by functional studies. The variant allele was found at a frequency of 0.0003 in 248282 control chromosomes, predominantly at a frequency of 0.0038 within the East Asian subpopulation in the gnomAD database. The observed variant frequency within East Asian control individuals in the gnomAD database exceeds the estimated maximal expected allele frequency for disease-causing variants in ADAMTS13. To our knowledge, no occurrence of c.3716-10C>T in individuals affected with ADAMTS13-related conditions and no experimental evidence demonstrating its impact on protein function have been reported. ClinVar contains an entry for this variant (Variation ID: 3709829). Based on the evidence outlined above, the variant was classified as benign.

Labcorp Genetics (formerly Invitae), Labcorp
Classification: Benign. Last evaluated: 2025-10-02. Review status: criteria provided, single submitter. Criteria: Invitae Variant Classification Sherloc (09022015). Collection method: clinical testing. Allele origin: germline.